The following is an entry in ClinVar:

ClinVar aggregate classification (germline): Uncertain significance (1 of 4 stars; one submission).

Conditions:
Joint laxity, short stature, and myopia. Identifiers: Orphanet 527450, MedGen C4540020, MONDO:0060556, OMIM 617662.

Submission:

Baylor Genetics
Classification: Uncertain significance for Joint laxity, short stature, and myopia. Last evaluated: 2019-11-15. Review status: criteria provided, single submitter. Criteria: ACMG Guidelines, 2015. Collection method: clinical testing. Allele origin: unknown. Affected: yes.
Comment: This variant was determined to be of uncertain significance according to ACMG Guidelines, 2015 [PMID:25741868].

NM_022482.5(GZF1):c.1627+9G>A

Gene: GZF1 (GDNF inducible zinc finger protein 1; plus strand). Cytogenetic location: 20p11.21.
Variant type: single nucleotide variant.
Coding change: c.1627+9G>A on transcript NM_022482.5 (MANE Select); 9 bases into the intron after coding-DNA position 1627, G replaced by A.
Molecular consequence: intron variant.
Genome position (GRCh38, 1-based): chr20:23,368,938, G>A. VCF-style: chr20-23368938-G-A. GRCh37 (hg19) VCF-style: chr20-23349575-G-A.
Other names: c.1627+9G>A (NM_001317012.2, NM_001317019.1).
Identifiers: ClinVar variation 1028269 (VCV001028269.1), dbSNP rs755464836, ClinGen allele CA2355836973.